The following is an entry in ClinVar:

NM_003482.4(KMT2D):c.12149C>A (p.Ala4050Glu)

Gene: KMT2D (lysine methyltransferase 2D; minus strand). Cytogenetic location: 12q13.12.
Variant type: single nucleotide variant.
Coding change: c.12149C>A on transcript NM_003482.4 (MANE Select); coding-DNA position 12149, C replaced by A.
Protein change: p.Ala4050Glu; replaces alanine 4050 with glutamic acid.
Molecular consequence: missense variant.
Genome position (GRCh38, 1-based): chr12:49,032,556, G>T on the plus strand (C>A on the coding strand, the complement: KMT2D is on the minus strand). VCF-style: chr12-49032556-G-T. GRCh37 (hg19) VCF-style: chr12-49426339-G-T.
Other names: short protein forms A4050E.
Identifiers: ClinVar variation 3635113 (VCV003635113.2).

ClinVar aggregate classification (germline): Uncertain significance (1 of 4 stars; one submission).

Conditions:
Kabuki syndrome. Also called: NIIKAWA-KUROKI SYNDROME; Kabuki make-up syndrome. Identifiers: Orphanet 2322, MedGen C0796004, MONDO:0016512.

gnomAD v4.1: 2 of 1,611,934 alleles (0.00012%); no homozygotes.

Submission:

Labcorp Genetics (formerly Invitae), Labcorp
Classification: Uncertain significance for Kabuki syndrome. Last evaluated: 2024-12-15. Review status: criteria provided, single submitter. Criteria: Invitae Variant Classification Sherloc (09022015). Collection method: clinical testing. Allele origin: germline.
Comment: This sequence change replaces alanine, which is neutral and non-polar, with glutamic acid, which is acidic and polar, at codon 4050 of the KMT2D protein (p.Ala4050Glu). This variant is not present in population databases (gnomAD no frequency). This variant has not been reported in the literature in individuals affected with KMT2D-related conditions. Invitae Evidence Modeling of protein sequence and biophysical properties (such as structural, functional, and spatial information, amino acid conservation, physicochemical variation, residue mobility, and thermodynamic stability) indicates that this missense variant is not expected to disrupt KMT2D protein function with a negative predictive value of 95%. In summary, the available evidence is currently insufficient to determine the role of this variant in disease. Therefore, it has been classified as a Variant of Uncertain Significance.